The following is an entry in ClinVar:

ClinVar aggregate classification (germline): Likely benign. Review status: criteria provided, multiple submitters, no conflicts (2 of 4 stars). 2 submissions from 2 submitters: Likely benign (2). Last evaluated 2026-01-21.

Conditions:
Peroxisome biogenesis disorder. Identifiers: Orphanet 79189, MedGen C1832200, MONDO:0019234. Disease mechanism: loss of function.
PEX16-related disorder. Also called: PEX16-related condition.

Allele frequency attached by ClinVar (database versions not stated): gnomAD 0.00002 and 0.00003; gnomAD exomes 0.00002 and 0.00003; TOPMed 0.00002; ExAC 0.00001.
gnomAD v4.1: 53 of 1,611,894 alleles (0.0033%); highest among the groups gnomAD compares: East Asian, 0.0045%; 1 homozygote.

Submissions (2):

Labcorp Genetics (formerly Invitae), Labcorp
Classification: Likely benign for Peroxisome biogenesis disorder. Last evaluated: 2026-01-21. Review status: criteria provided, single submitter. Criteria: Invitae Variant Classification Sherloc (09022015). Collection method: clinical testing. Allele origin: germline.

PreventionGenetics, part of Exact Sciences
Classification: Likely benign for PEX16-related condition. Last evaluated: 2025-07-01. Review status: criteria provided, single submitter. Criteria: ACMG Guidelines, 2015. Collection method: clinical testing. Allele origin: germline.
Comment: This variant is classified as likely benign based on ACMG/AMP sequence variant interpretation guidelines (Richards et al. 2015 PMID: 25741868, with internal and published modifications).

NM_004813.4(PEX16):c.657C>T (p.Ile219=)

Gene: PEX16 (peroxisomal biogenesis factor 16; minus strand). Cytogenetic location: 11p11.2.
Variant type: single nucleotide variant.
Coding change: c.657C>T on transcript NM_004813.4 (MANE Select); coding-DNA position 657, C replaced by T.
Protein change: p.Ile219=; no amino-acid change (isoleucine 219 retained).
Molecular consequence: synonymous variant.
Genome position (GRCh38, 1-based): chr11:45,914,353, G>A on the plus strand (C>T on the coding strand, the complement: PEX16 is on the minus strand). VCF-style: chr11-45914353-G-A. GRCh37 (hg19) VCF-style: chr11-45935904-G-A.
Other names: c.657C>T, p.Ile219= (NM_057174.3).
Identifiers: ClinVar variation 749299 (VCV000749299.10), dbSNP rs200522601, ClinGen allele CA5959885.